The following is an entry in ClinVar:

ClinVar aggregate classification (germline): Uncertain significance. Review status: criteria provided, multiple submitters, no conflicts (2 of 4 stars). 2 submissions from 2 submitters: Uncertain significance (2). Last evaluated 2025-07-20.

Conditions:
Acroosteolysis-keloid-like lesions-premature aging syndrome. Also called: Premature aging syndrome, Penttinen type; Prematurely aged appearance, delayed bone maturation, acro-osteolysis, and brachydactyly; Progeroid syndrome, Penttinen type. Identifiers: Orphanet 363665, MedGen C1866182, MONDO:0011150, OMIM 601812.
Skeletal overgrowth-craniofacial dysmorphism-hyperelastic skin-white matter lesions syndrome. Also called: SKELETAL OVERGROWTH WITH FACIAL DYSMORPHISM, HYPERELASTIC SKIN, WHITE MATTER LESIONS, AND NEUROLOGIC DETERIORATION; Kosaki overgrowth syndrome. Identifiers: Orphanet 477831, MedGen C4225270, MONDO:0014704, OMIM 616592.
Infantile myofibromatosis (IMF). Also called: Congenital generalized fibromatosis. Identifiers: Orphanet 2591, MedGen C0432284, MONDO:0016824.
Basal ganglia calcification, idiopathic, 4 (PFBC4). Also called: Familial Idiopathic Basal Ganglia Calcification 4; PRIMARY FAMILIAL BRAIN CALCIFICATION 4, AUTOSOMAL DOMINANT. Identifiers: Orphanet 1980, MedGen C3554321, MONDO:0014004, OMIM 615007.

Allele frequency attached by ClinVar (database versions not stated): TOPMed below 0.00001; gnomAD 0.00001; gnomAD exomes 0.00001; ExAC 0.00002.
gnomAD v4.1: 12 of 1,612,244 alleles (0.00074%); highest among the groups gnomAD compares: Non-Finnish European, 0.00093%; no homozygotes.

Submissions (2):

Labcorp Genetics (formerly Invitae), Labcorp
Classification: Uncertain significance for Basal ganglia calcification, idiopathic, 4; Skeletal overgrowth-craniofacial dysmorphism-hyperelastic skin-white matter lesions syndrome; Infantile myofibromatosis; Acroosteolysis-keloid-like lesions-premature aging syndrome. Last evaluated: 2025-07-20. Review status: criteria provided, single submitter. Criteria: Invitae Variant Classification Sherloc (09022015). Collection method: clinical testing. Allele origin: germline.
Comment: This sequence change replaces phenylalanine, which is neutral and non-polar, with tyrosine, which is neutral and polar, at codon 351 of the PDGFRB protein (p.Phe351Tyr). This variant is present in population databases (rs760825537, gnomAD 0.004%). This variant has not been reported in the literature in individuals affected with PDGFRB-related conditions. ClinVar contains an entry for this variant (Variation ID: 2655909). Invitae Evidence Modeling of protein sequence and biophysical properties (such as structural, functional, and spatial information, amino acid conservation, physicochemical variation, residue mobility, and thermodynamic stability) indicates that this missense variant is not expected to disrupt PDGFRB protein function with a negative predictive value of 80%. In summary, the available evidence is currently insufficient to determine the role of this variant in disease. Therefore, it has been classified as a Variant of Uncertain Significance.

CeGaT Center for Human Genetics Tuebingen
Classification: Uncertain significance. Last evaluated: 2022-04-01. Review status: criteria provided, single submitter. Criteria: CeGaT Center For Human Genetics Tuebingen Variant Classification Criteria Version 2. Collection method: clinical testing. Allele origin: germline. Affected: yes. Observed: 1 variant allele.
Comment: PDGFRB: PM2, BP4

NM_002609.4(PDGFRB):c.1052T>A (p.Phe351Tyr)

Gene: PDGFRB (platelet derived growth factor receptor beta; minus strand). Cytogenetic location: 5q32.
Variant type: single nucleotide variant.
Coding change: c.1052T>A on transcript NM_002609.4 (MANE Select); coding-DNA position 1052, T replaced by A.
Protein change: p.Phe351Tyr; replaces phenylalanine 351 with tyrosine.
Molecular consequence: missense variant.
Genome position (GRCh38, 1-based): chr5:150,132,825, A>T on the plus strand (T>A on the coding strand, the complement: PDGFRB is on the minus strand). VCF-style: chr5-150132825-A-T. GRCh37 (hg19) VCF-style: chr5-149512388-A-T.
Other names: c.860T>A, p.Phe287Tyr (NM_001355016.2); c.569T>A, p.Phe190Tyr (NM_001355017.2); short protein forms F190Y, F287Y, F351Y.
Identifiers: ClinVar variation 2655909 (VCV002655909.25), dbSNP rs760825537, ClinGen allele CA3508120.
Genomic context (GRCh38, chr5:150,132,825, plus strand): 5'-TTGCGCGTGGACAGGGCGATTTCGCCAGCGCTGGAGTCGCCCAGGGTGCGGTTGTCTTTG[A>T]ACCACAGGACAGTGGGCGGTGGGTAGGCCTCGAACACTACCTGCAGTGTCCGGCTCCGAT-3'
Protein context (NP_002600.1, residues 341-361): EAYPPPTVLW[Phe351Tyr]KDNRTLGDSS